The following is an entry in ClinVar:

ClinVar aggregate classification (germline): Uncertain significance (1 of 4 stars; one submission).

Conditions:
Neurodegeneration with brain iron accumulation 5 (NBIA5). Also called: STATIC ENCEPHALOPATHY OF CHILDHOOD WITH NEURODEGENERATION IN ADULTHOOD; Beta-propeller protein-associated neurodegeneration. Identifiers: Orphanet 329284, MedGen C3550973, MONDO:0010476, OMIM 300894.

Submission:

Labcorp Genetics (formerly Invitae), Labcorp
Classification: Uncertain significance for Neurodegeneration with brain iron accumulation 5. Last evaluated: 2021-02-25. Review status: criteria provided, single submitter. Criteria: Invitae Variant Classification Sherloc (09022015). Collection method: clinical testing. Allele origin: germline.
Comment: This variant is not present in population databases (ExAC no frequency). This variant has not been reported in the literature in individuals with WDR45-related disease. Algorithms developed to predict the effect of missense changes on protein structure and function (SIFT, PolyPhen-2, Align-GVGD) all suggest that this variant is likely to be tolerated, but these predictions have not been confirmed by published functional studies and their clinical significance is uncertain. In summary, the available evidence is currently insufficient to determine the role of this variant in disease. Therefore, it has been classified as a Variant of Uncertain Significance. This sequence change replaces glutamine with arginine at codon 295 of the WDR45 protein (p.Gln295Arg). The glutamine residue is highly conserved and there is a small physicochemical difference between glutamine and arginine.

NM_001029896.2(WDR45):c.881A>G (p.Gln294Arg)

Gene: WDR45 (WD repeat domain 45; minus strand). Cytogenetic location: Xp11.23.
Variant type: single nucleotide variant.
Coding change: c.881A>G on transcript NM_001029896.2 (MANE Select); coding-DNA position 881, A replaced by G.
Protein change: p.Gln294Arg; replaces glutamine 294 with arginine.
Molecular consequence: missense variant.
Genome position (GRCh38, 1-based): chrX:49,075,228, T>C on the plus strand (A>G on the coding strand, the complement: WDR45 is on the minus strand). VCF-style: chrX-49075228-T-C. GRCh37 (hg19) VCF-style: chrX-48932887-T-C.
Other names: c.884A>G, p.Gln295Arg (NM_007075.4); short protein forms Q295R, Q294R.
Identifiers: ClinVar variation 574294 (VCV000574294.10), dbSNP rs1569523443, ClinGen allele CA412942226.
Genomic context (GRCh38, chrX:49,075,228, plus strand): 5'-CGACCGAAGGCGCAGATGCAAGCTGACTCAGCAGGCACAGTGAAGCTCGCCAGGCTCCAC[T>C]GAGAGTCCACGTACTGCCCAATCATAGGCCCCACCTTGCCCACGCGAGCCAGCCTGCAGG-3'
Protein context (NP_001025067.1, residues 284-304): GPMIGQYVDS[Gln294Arg]WSLASFTVPA